The following is an entry in ClinVar:

ClinVar aggregate classification (germline): Pathogenic (1 of 4 stars; one submission).

Conditions:
LAMA2-related muscular dystrophy (LAMA2-RD). Also called: Laminin alpha 2-related dystrophy. Identifiers: MedGen C5679788, MONDO:0100228.

Submission:

Labcorp Genetics (formerly Invitae), Labcorp
Classification: Pathogenic for LAMA2-related muscular dystrophy. Last evaluated: 2021-08-03. Review status: criteria provided, single submitter. Criteria: Invitae Variant Classification Sherloc (09022015). Collection method: clinical testing. Allele origin: germline.
Comment: A similar copy number variant has been observed in individual(s) with congenital muscular dystrophy (PMID: 30301903). For these reasons, this variant has been classified as Pathogenic. This variant disrupts a region of the LAMA2 protein in which other variant(s) (Deletion (Exon 4)) have been determined to be pathogenic (PMID: 24611677, 30301903). This suggests that this is a clinically significant region of the protein, and that variants that disrupt it are likely to be disease-causing. This variant is a gross deletion of the genomic region encompassing exon(s) 2-9 of the LAMA2 gene. This variant would be expected to be in-frame, preserving the integrity of the reading frame.

Literature cited by the submitters: PubMed 30301903; PubMed 24611677.

NC_000006.11:g.(?_129371043)_(129486840_?)del

Gene: LAMA2 (laminin subunit alpha 2; plus strand). Cytogenetic location: 6q22.33.
Variant type: Deletion.
Identifiers: ClinVar variation 1403894 (VCV001403894.5).